The following is an entry in ClinVar:

NM_014241.4(HACD1):c.606-6C>T

Gene: HACD1 (3-hydroxyacyl-CoA dehydratase 1; minus strand). Cytogenetic location: 10p12.33.
Variant type: single nucleotide variant.
Coding change: c.606-6C>T on transcript NM_014241.4 (MANE Select); 6 bases into the intron before coding-DNA position 606, C replaced by T.
Molecular consequence: intron variant.
Genome position (GRCh38, 1-based): chr10:17,594,389, G>A on the plus strand (C>T on the coding strand, the complement: HACD1 is on the minus strand). VCF-style: chr10-17594389-G-A. GRCh37 (hg19) VCF-style: chr10-17636388-G-A.
Identifiers: ClinVar variation 737064 (VCV000737064.12), dbSNP rs143634601, ClinGen allele CA5427239.

ClinVar aggregate classification (germline): Likely benign. Review status: criteria provided, multiple submitters, no conflicts (2 of 4 stars). 3 submissions from 3 submitters: Likely benign (3). Last evaluated 2026-02-01.

Conditions:
HACD1-related disorder. Also called: HACD1-related condition.

Allele frequency attached by ClinVar (database versions not stated): gnomAD exomes 0.00105 and 0.00161; gnomAD 0.00125 and 0.00128; ExAC 0.00132; TOPMed 0.00139; 1000 Genomes Project 0.00140; 1000 Genomes Project 30x 0.00156; ESP Exome Variant Server 0.00178.
gnomAD v4.1: 2,285 of 1,451,052 alleles (0.16%); highest among the groups gnomAD compares: Non-Finnish European, 0.19%; 2 homozygotes.

Submissions (3):

Labcorp Genetics (formerly Invitae), Labcorp
Classification: Likely benign. Last evaluated: 2026-02-01. Review status: criteria provided, single submitter. Criteria: Invitae Variant Classification Sherloc (09022015). Collection method: clinical testing. Allele origin: germline.

PreventionGenetics, part of Exact Sciences
Classification: Likely benign for HACD1-related condition. Last evaluated: 2026-01-07. Review status: criteria provided, single submitter. Criteria: ACMG Guidelines, 2015. Collection method: clinical testing. Allele origin: germline.
Comment: This variant is classified as likely benign based on ACMG/AMP sequence variant interpretation guidelines (Richards et al. 2015 PMID: 25741868, with internal and published modifications).

Breakthrough Genomics
Classification: Likely benign. Review status: criteria provided, single submitter. Criteria: ACMG Guidelines, 2015. Collection method: not provided. Allele origin: germline. Inheritance: Autosomal recessive inheritance. Affected: yes.